The following is an entry in ClinVar:

ClinVar aggregate classification (germline): Uncertain significance (1 of 4 stars; one submission).

Conditions:
Actin accumulation myopathy (CMYO2A). Also called: CONGENITAL MYOPATHY 2A, TYPICAL, AUTOSOMAL DOMINANT; Nemaline myopathy type 3; Myopathy, actin, congenital, with excess of thin myofilaments; Myopathy, actin, congenital, with cores; Nemaline myopathy 3, with intranuclear rods. Identifiers: Orphanet 98904, MedGen C3711389, MONDO:0008070, OMIM 161800.

Submission:

Neuberg Centre For Genomic Medicine, NCGM
Classification: Uncertain significance for Actin accumulation myopathy. Last evaluated: 2023-05-20. Review status: criteria provided, single submitter. Criteria: ACMG Guidelines, 2015. Collection method: clinical testing. Allele origin: germline. Inheritance: Autosomal dominant inheritance. Affected: yes.
Comment: The missense c.299C>A (p.Pro100His) variant in the ACTA1 gene which is located in a mutational hot spot has not been reported previously as a pathogenic variant nor as a benign variant, to our knowledge. The variant is absent in gnomAD Exomes. The amino acid Proline at position 100 is changed to a Histidine changing protein sequence and it might alter its composition and physico-chemical properties. Multiple lines of computational evidence (Polyphen - Damaging, SIFT - Damaging and MutationTaster - Disease causing) predict a damaging effect on protein structure and function for this variant. The amino acid change p.Pro100His in ACTA1 is predicted as conserved by GERP++ and PhyloP across 100 vertebrates. For these reasons, this variant has been classified as Uncertain Significance.

NM_001100.4(ACTA1):c.299C>A (p.Pro100His)

Gene: ACTA1 (actin alpha 1, skeletal muscle; minus strand). Cytogenetic location: 1q42.13.
Variant type: single nucleotide variant.
Coding change: c.299C>A on transcript NM_001100.4 (MANE Select); coding-DNA position 299, C replaced by A.
Protein change: p.Pro100His; replaces proline 100 with histidine.
Molecular consequence: missense variant.
Genome position (GRCh38, 1-based): chr1:229,432,711, G>T on the plus strand (C>A on the coding strand, the complement: ACTA1 is on the minus strand). VCF-style: chr1-229432711-G-T. GRCh37 (hg19) VCF-style: chr1-229568458-G-T.
Other names: short protein forms P100H.
Identifiers: ClinVar variation 3341309 (VCV003341309.1).